The following is an entry in ClinVar:

ClinVar aggregate classification (germline): Uncertain significance. Review status: criteria provided, multiple submitters, no conflicts (2 of 4 stars). 4 submissions from 4 submitters: Uncertain significance (4). Last evaluated 2025-06-11.

Conditions:
Inborn genetic diseases. Identifiers: MedGen C0950123, MeSH D030342.
Familial hypokalemia-hypomagnesemia (GTLMNS). Also called: HYPOMAGNESEMIA-HYPOKALEMIA, PRIMARY RENOTUBULAR, WITH HYPOCALCIURIA; POTASSIUM AND MAGNESIUM DEPLETION; gitelman syndrome. Identifiers: Orphanet 358, MedGen C0268450, MONDO:0009904, OMIM 263800.

Allele frequency attached by ClinVar (database versions not stated): ESP Exome Variant Server 0.00008; gnomAD exomes 0.00010; ExAC 0.00011; gnomAD 0.00011 and 0.00009; TOPMed 0.00006.
gnomAD v4.1: 194 of 1,613,930 alleles (0.012%); highest among the groups gnomAD compares: Non-Finnish European, 0.015%; no homozygotes.

Submissions (4):

Ambry Genetics
Classification: Uncertain significance for Inborn genetic diseases. Last evaluated: 2025-06-11. Review status: criteria provided, single submitter. Criteria: Ambry Variant Classification Scheme 2023. Collection method: clinical testing. Allele origin: germline.

Labcorp Genetics (formerly Invitae), Labcorp
Classification: Uncertain significance. Last evaluated: 2022-06-20. Review status: criteria provided, single submitter. Criteria: Invitae Variant Classification Sherloc (09022015). Collection method: clinical testing. Allele origin: germline.
Comment: This sequence change replaces alanine, which is neutral and non-polar, with valine, which is neutral and non-polar, at codon 714 of the SLC12A3 protein (p.Ala714Val). This variant is present in population databases (rs369272221, gnomAD 0.02%). This variant has not been reported in the literature in individuals affected with SLC12A3-related conditions. ClinVar contains an entry for this variant (Variation ID: 887609). Advanced modeling of protein sequence and biophysical properties (such as structural, functional, and spatial information, amino acid conservation, physicochemical variation, residue mobility, and thermodynamic stability) performed at Invitae indicates that this missense variant is expected to disrupt SLC12A3 protein function. In summary, the available evidence is currently insufficient to determine the role of this variant in disease. Therefore, it has been classified as a Variant of Uncertain Significance.

Fulgent Genetics
Classification: Uncertain significance for Familial hypokalemia-hypomagnesemia. Last evaluated: 2022-02-11. Review status: criteria provided, single submitter. Criteria: ACMG Guidelines, 2015. Collection method: clinical testing. Allele origin: unknown.

Illumina Laboratory Services, Illumina
Classification: Uncertain significance for Familial hypokalemia-hypomagnesemia. Last evaluated: 2017-04-28. Review status: criteria provided, single submitter. Criteria: ICSL Variant Classification Criteria 13 December 2019. Collection method: clinical testing. Allele origin: germline.

NM_001126108.2(SLC12A3):c.2141C>T (p.Ala714Val)

Gene: SLC12A3 (solute carrier family 12 member 3; plus strand). Cytogenetic location: 16q13.
Variant type: single nucleotide variant.
Coding change: c.2141C>T on transcript NM_001126108.2 (MANE Select); coding-DNA position 2141, C replaced by T.
Protein change: p.Ala714Val; replaces alanine 714 with valine.
Molecular consequence: missense variant.
Genome position (GRCh38, 1-based): chr16:56,887,056, C>T. VCF-style: chr16-56887056-C-T. GRCh37 (hg19) VCF-style: chr16-56920968-C-T.
Other names: c.2141C>T, p.Ala714Val (NM_000339.3); c.2138C>T, p.Ala713Val (NM_001126107.2); short protein forms A714V, A713V.
Identifiers: ClinVar variation 887609 (VCV000887609.8), dbSNP rs369272221, ClinGen allele CA8069745.